The following is an entry in ClinVar:

NM_173630.4(RTTN):c.5573T>A (p.Leu1858Gln)

Gene: RTTN (rotatin; minus strand). Cytogenetic location: 18q22.2.
Variant type: single nucleotide variant.
Coding change: c.5573T>A on transcript NM_173630.4 (MANE Select); coding-DNA position 5573, T replaced by A.
Protein change: p.Leu1858Gln; replaces leucine 1858 with glutamine.
Molecular consequence: missense variant.
Genome position (GRCh38, 1-based): chr18:70,030,950, A>T on the plus strand (T>A on the coding strand, the complement: RTTN is on the minus strand). VCF-style: chr18-70030950-A-T. GRCh37 (hg19) VCF-style: chr18-67698186-A-T.
Other names: c.2837T>A, p.Leu946Gln (NM_001318520.2); short protein forms L1858Q, L946Q.
Identifiers: ClinVar variation 1400542 (VCV001400542.5), dbSNP rs1294570118, ClinGen allele CA402687742.

ClinVar aggregate classification (germline): Uncertain significance (1 of 4 stars; one submission).

Allele frequency attached by ClinVar (database versions not stated): gnomAD exomes below 0.00001 and 0.00001; TOPMed below 0.00001.
gnomAD v4.1: 4 of 1,613,574 alleles (0.00025%); highest among the groups gnomAD compares: Non-Finnish European, 0.00034%; no homozygotes.

Submission:

Labcorp Genetics (formerly Invitae), Labcorp
Classification: Uncertain significance. Last evaluated: 2021-09-24. Review status: criteria provided, single submitter. Criteria: Invitae Variant Classification Sherloc (09022015). Collection method: clinical testing. Allele origin: germline.
Comment: This sequence change replaces leucine with glutamine at codon 1858 of the RTTN protein (p.Leu1858Gln). The leucine residue is highly conserved and there is a moderate physicochemical difference between leucine and glutamine. This variant is not present in population databases (ExAC no frequency). This variant has not been reported in the literature in individuals with RTTN-related conditions. Algorithms developed to predict the effect of missense changes on protein structure and function are either unavailable or do not agree on the potential impact of this missense change (SIFT: "Deleterious"; PolyPhen-2: "Probably Damaging"; Align-GVGD: "Class C0"). In summary, the available evidence is currently insufficient to determine the role of this variant in disease. Therefore, it has been classified as a Variant of Uncertain Significance.